The following is an entry in ClinVar:

NM_000718.4(CACNA1B):c.6314G>A (p.Arg2105Gln)

Gene: CACNA1B (calcium voltage-gated channel subunit alpha1 B; plus strand). Cytogenetic location: 9q34.3.
Variant type: single nucleotide variant.
Coding change: c.6314G>A on transcript NM_000718.4 (MANE Select); coding-DNA position 6314, G replaced by A.
Protein change: p.Arg2105Gln; replaces arginine 2105 with glutamine.
Molecular consequence: missense variant.
Genome position (GRCh38, 1-based): chr9:138,120,706, G>A. VCF-style: chr9-138120706-G-A. GRCh37 (hg19) VCF-style: chr9-141015158-G-A.
Other names: c.6314G>A (NM_000718.3); c.6314G>A, p.Arg2105Gln (NM_001243812.2); short protein forms R2105Q.
Identifiers: ClinVar variation 1049807 (VCV001049807.6), dbSNP rs1013828895, ClinGen allele CA201873086.

ClinVar aggregate classification (germline): Uncertain significance. Review status: criteria provided, multiple submitters, no conflicts (2 of 4 stars). 4 submissions from 4 submitters: Uncertain significance (3). 1 of the submissions does not count toward it. Last evaluated 2025-10-14.

Allele frequency attached by ClinVar (database versions not stated): TOPMed 0.00003; gnomAD exomes 0.00007; gnomAD 0.00003.
gnomAD v4.1: 69 of 1,520,964 alleles (0.0045%); highest among the groups gnomAD compares: Admixed American, 0.02%; no homozygotes.

Submissions (4):

Ambry Genetics
Classification: Uncertain significance. Last evaluated: 2025-10-14. Review status: criteria provided, single submitter. Criteria: Ambry Variant Classification Scheme 2023. Collection method: clinical testing. Allele origin: germline.

GeneDx
Classification: Uncertain significance. Last evaluated: 2024-05-01. Review status: criteria provided, single submitter. Criteria: GeneDx Variant Classification Process June 2021. Collection method: clinical testing. Allele origin: germline. Affected: yes.
Comment: In silico analysis indicates that this missense variant does not alter protein structure/function; Has not been previously published as pathogenic or benign to our knowledge; Variants in candidate genes are classified as variants of uncertain significance in accordance with ACMG guidelines (PMID: 25741868)

Labcorp Genetics (formerly Invitae), Labcorp
Classification: Uncertain significance. Last evaluated: 2022-08-16. Review status: criteria provided, single submitter. Criteria: Invitae Variant Classification Sherloc (09022015). Collection method: clinical testing. Allele origin: germline.
Comment: This sequence change replaces arginine, which is basic and polar, with glutamine, which is neutral and polar, at codon 2105 of the CACNA1B protein (p.Arg2105Gln). This variant is present in population databases (no rsID available, gnomAD 0.03%). This variant has not been reported in the literature in individuals affected with CACNA1B-related conditions. ClinVar contains an entry for this variant (Variation ID: 1049807). Advanced modeling of protein sequence and biophysical properties (such as structural, functional, and spatial information, amino acid conservation, physicochemical variation, residue mobility, and thermodynamic stability) performed at Invitae indicates that this missense variant is not expected to disrupt CACNA1B protein function. In summary, the available evidence is currently insufficient to determine the role of this variant in disease. Therefore, it has been classified as a Variant of Uncertain Significance.

Department of Pathology and Laboratory Medicine, Sinai Health System
Classification: Uncertain significance. Review status: no assertion criteria provided. Collection method: clinical testing. Allele origin: unknown. Affected: yes. Study: The Canadian Open Genetics Repository (COGR). Not counted in ClinVar's aggregate classification.
Comment: The CACNA1B p.R2105Q variant was not identified in the literature nor was it identified in ClinVar. The variant was identified in dbSNP (ID: rs1013828895) and in control databases in 8 of 122074 chromosomes at a frequency of 0.00006553 (freq: 0.0002635) (Genome Aggregation Database March 6, 2019, v2.1.1). The p.R2105 residue is not conserved in mammals and computational analyses (MUT Assesor, PolyPhen-2, SIFT, MutationTaster, Revel, FATHMM, MetaLR, DANN) provide inconsistent predictions regarding the impact to the protein; this information is not very predictive of pathogenicity. The variant occurs outside of the splicing consensus sequence and in silico or computational prediction software programs (Splice AI exome) do not predict a difference in splicing. In summary, based on the above information the clinical significance of this variant cannot be determined with certainty at this time. This variant is classified as a variant of uncertain significance.